The following is an entry in ClinVar:

NM_006231.4(POLE):c.898A>G (p.Ile300Val)

Gene: POLE (DNA polymerase epsilon, catalytic subunit; minus strand). Cytogenetic location: 12q24.33.
Variant type: single nucleotide variant.
Coding change: c.898A>G on transcript NM_006231.4 (MANE Select); coding-DNA position 898, A replaced by G.
Protein change: p.Ile300Val; replaces isoleucine 300 with valine.
Molecular consequence: missense variant.
Genome position (GRCh38, 1-based): chr12:132,676,557, T>C on the plus strand (A>G on the coding strand, the complement: POLE is on the minus strand). VCF-style: chr12-132676557-T-C. GRCh37 (hg19) VCF-style: chr12-133253143-T-C.
Other names: c.898A>G (NM_006231.2); short protein forms I300V.
Identifiers: ClinVar variation 2086638 (VCV002086638.4), dbSNP rs2136015504, ClinGen allele CA387364167.
Genomic context (GRCh38, chr12:132,676,557, plus strand): 5'-GACAAGGTCCCCATCCCAGGAGCTTACTTCCCAGAAGCCACCTGCTCACCTGGCCATCGA[T>C]CATGTAGGAAATCATCATAATCTGGTCTGTCTCAGCATCAGGAAACTTGAGGGGCAGTTT-3'
Protein context (NP_006222.2, residues 290-310): TDQIMMISYM[Ile300Val]DGQGYLITNR

ClinVar aggregate classification (germline): Uncertain significance. Review status: criteria provided, multiple submitters, no conflicts (2 of 4 stars). 2 submissions from 2 submitters: Uncertain significance (2). Last evaluated 2023-10-28.

Conditions:
Hereditary cancer-predisposing syndrome. Also called: Tumor predisposition; Neoplastic Syndromes, Hereditary; Hereditary Cancer Syndrome; Hereditary neoplastic syndrome. Identifiers: Orphanet 140162, MedGen C0027672, MeSH D009386, MONDO:0015356.

Allele frequency attached by ClinVar (database versions not stated): gnomAD exomes below 0.00001.
gnomAD v4.1: 1 of 1,612,232 alleles (0.000062%); highest among the groups gnomAD compares: Non-Finnish European, 0.000085%; no homozygotes.

Submissions (2):

Labcorp Genetics (formerly Invitae), Labcorp
Classification: Uncertain significance. Last evaluated: 2023-10-28. Review status: criteria provided, single submitter. Criteria: Invitae Variant Classification Sherloc (09022015). Collection method: clinical testing. Allele origin: germline.
Comment: This sequence change replaces isoleucine, which is neutral and non-polar, with valine, which is neutral and non-polar, at codon 300 of the POLE protein (p.Ile300Val). This variant is not present in population databases (gnomAD no frequency). This variant has not been reported in the literature in individuals affected with POLE-related conditions. ClinVar contains an entry for this variant (Variation ID: 2086638). Advanced modeling of protein sequence and biophysical properties (such as structural, functional, and spatial information, amino acid conservation, physicochemical variation, residue mobility, and thermodynamic stability) performed at Invitae indicates that this missense variant is not expected to disrupt POLE protein function with a negative predictive value of 80%. In summary, the available evidence is currently insufficient to determine the role of this variant in disease. Therefore, it has been classified as a Variant of Uncertain Significance.

Ambry Genetics
Classification: Uncertain significance for Hereditary cancer-predisposing syndrome. Last evaluated: 2023-04-04. Review status: criteria provided, single submitter. Criteria: Ambry Variant Classification Scheme 2023. Collection method: clinical testing. Allele origin: germline.
Comment: The p.I300V variant (also known as c.898A>G), located in coding exon 9 of the POLE gene, results from an A to G substitution at nucleotide position 898. The isoleucine at codon 300 is replaced by valine, an amino acid with highly similar properties. This amino acid position is well conserved in available vertebrate species. In addition, this alteration is predicted to be tolerated by in silico analysis. Since supporting evidence is limited at this time, the clinical significance of this alteration remains unclear.